The following is an entry in ClinVar:

ClinVar aggregate classification (germline): Uncertain significance (1 of 4 stars; one submission).

Conditions:
Autosomal recessive limb-girdle muscular dystrophy type 2J (LGMDR10). Also called: Limb-girdle muscular dystrophy, type 2J; MUSCULAR DYSTROPHY, LIMB-GIRDLE, AUTOSOMAL RECESSIVE 10. Identifiers: Orphanet 140922, MedGen C1837342, MONDO:0012127, OMIM 608807.
Dilated cardiomyopathy 1G (CMD1G). Identifiers: Orphanet 154, MedGen C1858763, MONDO:0011400, OMIM 604145.

gnomAD v4.1: 1 of 1,611,704 alleles (0.000062%); no homozygotes.

Submission:

Labcorp Genetics (formerly Invitae), Labcorp
Classification: Uncertain significance for Dilated cardiomyopathy 1G; Autosomal recessive limb-girdle muscular dystrophy type 2J. Last evaluated: 2024-05-20. Review status: criteria provided, single submitter. Criteria: Invitae Variant Classification Sherloc (09022015). Collection method: clinical testing. Allele origin: germline.
Comment: This sequence change falls in intron 247 of the TTN gene. It does not directly change the encoded amino acid sequence of the TTN protein. It affects a nucleotide within the consensus splice site. This variant is not present in population databases (gnomAD no frequency). This variant has not been reported in the literature in individuals affected with TTN-related conditions. ClinVar contains an entry for this variant (Variation ID: 578251). Variants that disrupt the consensus splice site are a relatively common cause of aberrant splicing (PMID: 17576681, 9536098). Algorithms developed to predict the effect of sequence changes on RNA splicing suggest that this variant may disrupt the consensus splice site. This variant is located in the I band of TTN (PMID: 25589632). Non-truncating variants in this region may be clinically relevant, but have not been definitively shown to cause cardiomyopathy or neuromuscular disease (PMID: 27493940, 32778822). In summary, the available evidence is currently insufficient to determine the role of this variant in disease. Therefore, it has been classified as a Variant of Uncertain Significance.

Literature cited by the submitters: PubMed 17576681; PubMed 9536098; PubMed 25589632; PubMed 27493940; PubMed 32778822.

NM_001267550.2(TTN):c.45895+5G>C

Gene: TTN (titin; minus strand). Cytogenetic location: 2q31.2.
Variant type: single nucleotide variant.
Coding change: c.45895+5G>C on transcript NM_001267550.2 (MANE Select); 5 bases into the intron after coding-DNA position 45895, G replaced by C.
Molecular consequence: intron variant.
Genome position (GRCh38, 1-based): chr2:178,620,710, C>G on the plus strand (G>C on the coding strand, the complement: TTN is on the minus strand). VCF-style: chr2-178620710-C-G. GRCh37 (hg19) VCF-style: chr2-179485437-C-G.
Other names: c.18700+5G>C (NM_003319.4); c.19276+5G>C (NM_133437.4); c.19075+5G>C (NM_133432.3); c.38191+5G>C (NM_133378.4); c.40972+5G>C (NM_001256850.1).
Identifiers: ClinVar variation 578251 (VCV000578251.9), dbSNP rs1206842325, ClinGen allele CA891842991.
Genomic context (GRCh38, chr2:178,620,710, plus strand): 5'-TGATTTTAATTATTTTTATAACAGAAACTGATGAAAAAATCTCTAGTGGTATATAAATTA[C>G]TTACCTTCTACTATTAGATTGGCTGCACTTTTAACATTTTCACCTCTGTGATTGGTCAAA-3'